The following is an entry in ClinVar:

NM_019098.5(CNGB3):c.1738G>A (p.Val580Ile)

Gene: CNGB3 (cyclic nucleotide gated channel subunit beta 3; minus strand). Cytogenetic location: 8q21.3.
Variant type: single nucleotide variant.
Coding change: c.1738G>A on transcript NM_019098.5 (MANE Select); coding-DNA position 1738, G replaced by A.
Protein change: p.Val580Ile; replaces valine 580 with isoleucine.
Molecular consequence: missense variant.
Genome position (GRCh38, 1-based): chr8:86,604,136, C>T on the plus strand (G>A on the coding strand, the complement: CNGB3 is on the minus strand). VCF-style: chr8-86604136-C-T. GRCh37 (hg19) VCF-style: chr8-87616364-C-T.
Other names: short protein forms V580I.
Identifiers: ClinVar variation 858351 (VCV000858351.5), dbSNP rs1256886489, ClinGen allele CA371449067.

ClinVar aggregate classification (germline): Uncertain significance. Review status: criteria provided, single submitter (1 of 4 stars). 2 submissions from 2 submitters: Uncertain significance (1). 1 of the submissions does not count toward it. Last evaluated 2021-09-01.

Conditions:
Achromatopsia. Also called: Rod monochromatism. Identifiers: Orphanet 49382, MedGen C0152200, MONDO:0018852, HP:0011516.

Allele frequency attached by ClinVar (database versions not stated): gnomAD exomes 0.00001; gnomAD 0.00003; TOPMed 0.00003.

Submissions (2):

Labcorp Genetics (formerly Invitae), Labcorp
Classification: Uncertain significance. Last evaluated: 2021-09-01. Review status: criteria provided, single submitter. Criteria: Invitae Variant Classification Sherloc (09022015). Collection method: clinical testing. Allele origin: germline.
Comment: This sequence change replaces valine with isoleucine at codon 580 of the CNGB3 protein (p.Val580Ile). The valine residue is highly conserved and there is a small physicochemical difference between valine and isoleucine. This variant is not present in population databases (ExAC no frequency). This variant has not been reported in the literature in individuals affected with CNGB3-related conditions. ClinVar contains an entry for this variant (Variation ID: 858351). Advanced modeling of protein sequence and biophysical properties (such as structural, functional, and spatial information, amino acid conservation, physicochemical variation, residue mobility, and thermodynamic stability) performed at Invitae indicates that this missense variant is not expected to disrupt CNGB3 protein function. In summary, the available evidence is currently insufficient to determine the role of this variant in disease. Therefore, it has been classified as a Variant of Uncertain Significance.

Natera, Inc.
Classification: Uncertain significance for Achromatopsia. Last evaluated: 2020-09-16. Review status: no assertion criteria provided. Collection method: clinical testing. Allele origin: germline. Not counted in ClinVar's aggregate classification.